The following is an entry in ClinVar:

NM_006922.4(SCN3A):c.3199G>A (p.Gly1067Arg)

Gene: SCN3A (sodium voltage-gated channel alpha subunit 3; minus strand). Cytogenetic location: 2q24.3.
Variant type: single nucleotide variant.
Coding change: c.3199G>A on transcript NM_006922.4 (MANE Select); coding-DNA position 3199, G replaced by A.
Protein change: p.Gly1067Arg; replaces glycine 1067 with arginine.
Molecular consequence: missense variant.
Genome position (GRCh38, 1-based): chr2:165,127,825, C>T on the plus strand (G>A on the coding strand, the complement: SCN3A is on the minus strand). VCF-style: chr2-165127825-C-T. GRCh37 (hg19) VCF-style: chr2-165984335-C-T.
Other names: c.3199G>A (NM_006922.3); c.3052G>A, p.Gly1018Arg (NM_001081676.2, NM_001081677.2); short protein forms G1067R, G1018R.
Identifiers: ClinVar variation 2076684 (VCV002076684.5), dbSNP rs1000317389, ClinGen allele CA59732263.

ClinVar aggregate classification (germline): Uncertain significance. Review status: criteria provided, multiple submitters, no conflicts (2 of 4 stars). 2 submissions from 2 submitters: Uncertain significance (2). Last evaluated 2024-06-28.

Conditions:
Inborn genetic diseases. Identifiers: MedGen C0950123, MeSH D030342.

Allele frequency attached by ClinVar (database versions not stated): gnomAD exomes 0.00001; TOPMed below 0.00001; gnomAD 0.00001.
gnomAD v4.1: 18 of 1,614,040 alleles (0.0011%); highest among the groups gnomAD compares: Non-Finnish European, 0.0014%; no homozygotes.

Submissions (2):

Ambry Genetics
Classification: Uncertain significance for Inborn genetic diseases. Last evaluated: 2024-06-28. Review status: criteria provided, single submitter. Criteria: Ambry Variant Classification Scheme 2023. Collection method: clinical testing. Allele origin: germline.

Labcorp Genetics (formerly Invitae), Labcorp
Classification: Uncertain significance. Last evaluated: 2022-07-19. Review status: criteria provided, single submitter. Criteria: Invitae Variant Classification Sherloc (09022015). Collection method: clinical testing. Allele origin: germline.
Comment: This variant is present in population databases (no rsID available, gnomAD 0.004%). This sequence change replaces glycine, which is neutral and non-polar, with arginine, which is basic and polar, at codon 1067 of the SCN3A protein (p.Gly1067Arg). This variant has not been reported in the literature in individuals affected with SCN3A-related conditions. In summary, the available evidence is currently insufficient to determine the role of this variant in disease. Therefore, it has been classified as a Variant of Uncertain Significance. Algorithms developed to predict the effect of missense changes on protein structure and function are either unavailable or do not agree on the potential impact of this missense change (SIFT: "Deleterious"; PolyPhen-2: "Benign"; Align-GVGD: "Class C15").